The following is an entry in ClinVar:

NM_032638.5(GATA2):c.-276T>G

Genes: GATA2 (GATA binding protein 2; minus strand), GATA2-AS1 (GATA2 antisense RNA 1; plus strand). Cytogenetic location: 3q21.3.
Variant type: single nucleotide variant.
Coding change: c.-276T>G on transcript NM_032638.5 (MANE Select); 276 bases upstream of the start codon, T replaced by G.
Molecular consequence: 5 prime UTR variant.
Genome position (GRCh38, 1-based): chr3:128,493,129, A>C on the plus strand (T>G on the coding strand, the complement: GATA2 is on the minus strand). VCF-style: chr3-128493129-A-C. GRCh37 (hg19) VCF-style: chr3-128211972-A-C.
Identifiers: ClinVar variation 343148 (VCV000343148.9), dbSNP rs563914744, ClinGen allele CA10617229.
Genomic context (GRCh38, chr3:128,493,129, plus strand): 5'-CTTTTGTCCGCCTGGTGGGCGACGGGGCCCTGCTAGGATGGATGTGGCGGCAGGCAATAG[A>C]CAGACTTGAGCAGCGAGTCCCGGGGCGACGCTGGCCTCGCTACCTTCCTGGCGCTCACGC-3'

ClinVar aggregate classification (germline): Benign. Review status: criteria provided, multiple submitters, no conflicts (2 of 4 stars). 2 submissions from 2 submitters: Benign (2). Last evaluated 2018-01-13.

Conditions:
Deafness-lymphedema-leukemia syndrome. Also called: Lymphedema, primary, with myelodysplasia; Emberger syndrome. Identifiers: Orphanet 3226, MedGen C3279664, MONDO:0013540, OMIM 614038.

Allele frequency attached by ClinVar (database versions not stated): TOPMed 0.00966; gnomAD 0.00818 and 0.00775; 1000 Genomes Project 0.00739; 1000 Genomes Project 30x 0.00984.

Submissions (2):

Illumina Laboratory Services, Illumina
Classification: Benign for Deafness-lymphedema-leukemia syndrome. Last evaluated: 2018-01-13. Review status: criteria provided, single submitter. Criteria: ICSL Variant Classification Criteria 13 December 2019. Collection method: clinical testing. Allele origin: germline.
Comment: This variant was observed in the ICSL laboratory as part of a predisposition screen in an ostensibly healthy population. It had not been previously curated by ICSL or reported in the Human Gene Mutation Database (HGMD: prior to June 1st, 2018), and was therefore a candidate for classification through an automated scoring system. Utilizing variant allele frequency, disease prevalence and penetrance estimates, and inheritance mode, an automated score was calculated to assess if this variant is too frequent to cause the disease. Based on the score and internal cut-off values, a variant classified as benign is not then subjected to further curation. The score for this variant resulted in a classification of benign for this disease.

Genetic Services Laboratory, University of Chicago
Classification: Benign. Last evaluated: 2017-05-02. Review status: criteria provided, single submitter. Criteria: ACMG Guidelines, 2015. Collection method: clinical testing. Allele origin: germline. Affected: no.